The following is an entry in ClinVar:

ClinVar aggregate classification (germline): Pathogenic/Likely pathogenic. Review status: criteria provided, multiple submitters, no conflicts (2 of 4 stars). 4 submissions from 4 submitters: Pathogenic (2); Likely pathogenic (1). 1 of the submissions does not count toward it. Last evaluated 2026-02-18.

Conditions:
SCN1A-related disorder. Also called: SCN1A-related conditions; SCN1A-related condition; SCN1A-related disorders.
Severe myoclonic epilepsy in infancy (DRVT). Also called: SEVERE MYOCLONIC EPILEPSY OF INFANCY; Epileptic encephalopathy, early infantile, 6 (Dravet syndrome); DEVELOPMENTAL AND EPILEPTIC ENCEPHALOPATHY 6A; Dravet syndrome; Severe Myoclonic Epilepsy in Infancy (SMEI). Identifiers: Orphanet 33069, MedGen C0751122, MONDO:0100135, OMIM 607208.
Early-infantile DEE. Also called: Early infantile epileptic encephalopathy; Ohtahara syndrome; Early infantile epileptic encephalopathy with suppression bursts. Identifiers: Orphanet 1934, MedGen C0393706, MONDO:0800491.

Submissions (4):

Dasa
Classification: Likely pathogenic. Last evaluated: 2026-02-18. Review status: criteria provided, single submitter. Criteria: DASA Assertion Criteria. Collection method: clinical testing. Allele origin: germline.
Comment: NM_001165963.4(SCN1A):c.5339T>C (p.Met1780Thr) is a missense variant that results in the substitution of methionine with threonine. The affected residue or protein region has prior evidence supporting clinical relevance. This variant has been reported in individuals with SCN1A-related disorders (PMID: 12821740). Also, this variant is absent from population databases. Computational evidence supports a deleterious effect. Based on the currently available evidence, this variant is classified as likely pathogenic.

Labcorp Genetics (formerly Invitae), Labcorp
Classification: Pathogenic for Early-infantile DEE. Last evaluated: 2024-10-30. Review status: criteria provided, single submitter. Criteria: Invitae Variant Classification Sherloc (09022015). Collection method: clinical testing. Allele origin: germline.
Comment: This sequence change replaces methionine, which is neutral and non-polar, with threonine, which is neutral and polar, at codon 1780 of the SCN1A protein (p.Met1780Thr). This variant is not present in population databases (gnomAD no frequency). This missense change has been observed in individual(s) with severe myoclonic epilepsy in infancy (SMEI) (PMID: 12821740). In at least one individual the variant was observed to be de novo. ClinVar contains an entry for this variant (Variation ID: 68569). Invitae Evidence Modeling of protein sequence and biophysical properties (such as structural, functional, and spatial information, amino acid conservation, physicochemical variation, residue mobility, and thermodynamic stability) indicates that this missense variant is expected to disrupt SCN1A protein function with a positive predictive value of 95%. For these reasons, this variant has been classified as Pathogenic.

Blueprint Genetics
Classification: Pathogenic for SCN1A-related disorders. Last evaluated: 2019-11-01. Review status: criteria provided, single submitter. Criteria: ACMG Guidelines, 2015. Collection method: clinical testing. Allele origin: de novo. Affected: yes. Observed: 1 variant allele.

UniProtKB/Swiss-Prot
No classification provided. Condition: Severe myoclonic epilepsy in infancy. Review status: no classification provided. Collection method: not provided. Allele origin: unknown. Not counted in ClinVar's aggregate classification.

Literature cited by the submitters: PubMed 12821740 (cited by Dasa and Labcorp Genetics (formerly Invitae), Labcorp).

NM_001165963.4(SCN1A):c.5339T>C (p.Met1780Thr)

Genes: SCN1A (sodium voltage-gated channel alpha subunit 1; minus strand), LOC102724058 (uncharacterized LOC102724058; plus strand). Cytogenetic location: 2q24.3.
Variant type: single nucleotide variant.
Coding change: c.5339T>C on transcript NM_001165963.4 (MANE Select); coding-DNA position 5339, T replaced by C.
Protein change: p.Met1780Thr; replaces methionine 1780 with threonine.
Molecular consequence: missense variant. On other transcripts: non-coding transcript variant (1).
Genome position (GRCh38, 1-based): chr2:165,991,936, A>G on the plus strand (T>C on the coding strand, the complement: SCN1A is on the minus strand). VCF-style: chr2-165991936-A-G. GRCh37 (hg19) VCF-style: chr2-166848446-A-G.
Other names: c.5255T>C, p.Met1752Thr (NM_001165964.3, NM_001353957.2, NM_001353958.2); c.5339T>C, p.Met1780Thr (NM_001202435.3, NM_001353948.2); c.5306T>C, p.Met1769Thr (NM_001353949.2, NM_001353950.2, NM_001353951.2 and 2 more transcripts); c.5303T>C, p.Met1768Thr (NM_001353954.2, NM_001353955.2); c.5252T>C, p.Met1751Thr (NM_001353960.2); c.2897T>C, p.Met966Thr (NM_001353961.2); short protein forms M1769T, M1780T, M1751T, M1768T, M966T, M1752T.
Identifiers: ClinVar variation 68569 (VCV000068569.11), dbSNP rs121917952, ClinGen allele CA285018.